The following is an entry in ClinVar:

NM_001194.4(HCN2):c.1286G>A (p.Gly429Glu)

Gene: HCN2 (hyperpolarization activated cyclic nucleotide gated potassium and sodium channel 2; plus strand). Cytogenetic location: 19p13.3.
Variant type: single nucleotide variant.
Coding change: c.1286G>A on transcript NM_001194.4 (MANE Select); coding-DNA position 1286, G replaced by A.
Protein change: p.Gly429Glu; replaces glycine 429 with glutamic acid.
Molecular consequence: missense variant.
Genome position (GRCh38, 1-based): chr19:608,031, G>A. VCF-style: chr19-608031-G-A. GRCh37 (hg19) VCF-style: chr19-608031-G-A.
Other names: short protein forms G429E.
Identifiers: ClinVar variation 1305785 (VCV001305785.2), dbSNP rs2144522646, ClinGen allele CA402877602.

ClinVar aggregate classification (germline): Uncertain significance (1 of 4 stars; one submission).

Submission:

GeneDx
Classification: Uncertain significance. Last evaluated: 2019-05-28. Review status: criteria provided, single submitter. Criteria: GeneDx Variant Classification Process June 2021. Collection method: clinical testing. Allele origin: germline. Affected: yes.
Comment: Has not been previously published as pathogenic or benign to our knowledge; Not observed in large population cohorts (Lek et al., 2016); In silico analysis, which includes protein predictors and evolutionary conservation, supports a deleterious effect